The following is an entry in ClinVar:

NM_130811.4(SNAP25):c.503G>T (p.Gly168Val)

Gene: SNAP25 (synaptosome associated protein 25; plus strand). Cytogenetic location: 20p12.2.
Variant type: single nucleotide variant.
Coding change: c.503G>T on transcript NM_130811.4 (MANE Select); coding-DNA position 503, G replaced by T.
Protein change: p.Gly168Val; replaces glycine 168 with valine.
Molecular consequence: missense variant.
Genome position (GRCh38, 1-based): chr20:10,299,363, G>T. VCF-style: chr20-10299363-G-T. GRCh37 (hg19) VCF-style: chr20-10280011-G-T.
Other names: c.503G>T, p.Gly168Val (NM_001322902.2, NM_001322903.2, NM_001322904.2 and 7 more transcripts); short protein forms G168V.
Identifiers: ClinVar variation 1355693 (VCV001355693.8), dbSNP rs1600791112, ClinGen allele CA408266667.

ClinVar aggregate classification (germline): Uncertain significance (1 of 4 stars; one submission).

Conditions:
Congenital myasthenic syndrome 18. Also called: MYASTHENIC SYNDROME, CONGENITAL, 18, WITH INTELLECTUAL DISABILITY AND ATAXIA. Identifiers: Orphanet 590, MedGen C4225364, MONDO:0014590, OMIM 616330.

Submission:

Labcorp Genetics (formerly Invitae), Labcorp
Classification: Uncertain significance for Congenital myasthenic syndrome 18. Last evaluated: 2024-02-24. Review status: criteria provided, single submitter. Criteria: Invitae Variant Classification Sherloc (09022015). Collection method: clinical testing. Allele origin: germline.
Comment: This sequence change replaces glycine, which is neutral and non-polar, with valine, which is neutral and non-polar, at codon 168 of the SNAP25 protein (p.Gly168Val). This variant is not present in population databases (gnomAD no frequency). This variant has not been reported in the literature in individuals affected with SNAP25-related conditions. ClinVar contains an entry for this variant (Variation ID: 1355693). An algorithm developed to predict the effect of missense changes on protein structure and function (PolyPhen-2) suggests that this variant is likely to be disruptive. In summary, the available evidence is currently insufficient to determine the role of this variant in disease. Therefore, it has been classified as a Variant of Uncertain Significance.